The following is an entry in ClinVar:

NM_006648.4(WNK2):c.40C>G (p.Leu14Val)

Gene: WNK2 (WNK lysine deficient protein kinase 2; plus strand). Cytogenetic location: 9q22.31.
Variant type: single nucleotide variant.
Coding change: c.40C>G on transcript NM_006648.4 (MANE Select); coding-DNA position 40, C replaced by G.
Protein change: p.Leu14Val; replaces leucine 14 with valine.
Molecular consequence: missense variant.
Genome position (GRCh38, 1-based): chr9:93,184,969, C>G. VCF-style: chr9-93184969-C-G. GRCh37 (hg19) VCF-style: chr9-95947251-C-G.
Other names: c.40C>G, p.Leu14Val (NM_001282394.3); short protein forms L14V.
Identifiers: ClinVar variation 3190636 (VCV003190636.2), dbSNP rs1298800136, ClinGen allele CA374051991.
Genomic context (GRCh38, chr9:93,184,969, plus strand): 5'-GTGTGTCCTTGGCCCACAGAGATGGACGGCGATGGCGGCCGCCGAGACGTCCCCGGCACG[C>G]TGATGGAGCCCGGGCGCGGCGCGGGGCCCGCGGGCATGGCGGAGCCTCGGGCGAAGGCGG-3'
Protein context (NP_006639.3, residues 4-24): DGGRRDVPGT[Leu14Val]MEPGRGAGPA

ClinVar aggregate classification (germline): Uncertain significance (1 of 4 stars; one submission).

Allele frequency attached by ClinVar (database versions not stated): TOPMed below 0.00001; gnomAD 0.00001.
gnomAD v4.1: 9 of 1,237,446 alleles (0.00073%); highest among the groups gnomAD compares: East Asian, 0.026%; no homozygotes.

Submission:

Ambry Genetics
Classification: Uncertain significance. Last evaluated: 2025-03-02. Review status: criteria provided, single submitter. Criteria: Ambry Variant Classification Scheme 2023. Collection method: clinical testing. Allele origin: germline.
Comment: The p.L14V variant (also known as c.40C>G), located in coding exon 1 of the WNK2 gene, results from a C to G substitution at nucleotide position 40. The leucine at codon 14 is replaced by valine, an amino acid with highly similar properties. This amino acid position is conserved. In addition, this alteration is predicted to be tolerated by in silico analysis. Based on the available evidence, the clinical significance of this variant remains unclear.